The following is an entry in ClinVar:

NM_024529.5(CDC73):c.352C>A (p.Leu118Ile)

Gene: CDC73 (cell division cycle 73; plus strand). Cytogenetic location: 1q31.2.
Variant type: single nucleotide variant.
Coding change: c.352C>A on transcript NM_024529.5 (MANE Select); coding-DNA position 352, C replaced by A.
Protein change: p.Leu118Ile; replaces leucine 118 with isoleucine.
Molecular consequence: missense variant.
Genome position (GRCh38, 1-based): chr1:193,135,435, C>A. VCF-style: chr1-193135435-C-A. GRCh37 (hg19) VCF-style: chr1-193104565-C-A.
Other names: short protein forms L118I.
Identifiers: ClinVar variation 3227871 (VCV003227871.1), dbSNP rs1393669738, ClinGen allele CA343960468.

ClinVar aggregate classification (germline): Uncertain significance (1 of 4 stars; one submission).

Conditions:
Hereditary cancer-predisposing syndrome. Also called: Neoplastic Syndromes, Hereditary; Tumor predisposition; Hereditary neoplastic syndrome; Hereditary Cancer Syndrome. Identifiers: Orphanet 140162, MedGen C0027672, MeSH D009386, MONDO:0015356.

Submission:

Ambry Genetics
Classification: Uncertain significance for Hereditary cancer-predisposing syndrome. Last evaluated: 2024-01-19. Review status: criteria provided, single submitter. Criteria: Ambry Variant Classification Scheme 2023. Collection method: clinical testing. Allele origin: germline.
Comment: The p.L118I variant (also known as c.352C>A), located in coding exon 4 of the CDC73 gene, results from a C to A substitution at nucleotide position 352. The leucine at codon 118 is replaced by isoleucine, an amino acid with highly similar properties. This amino acid position is conserved. In addition, the in silico prediction for this alteration is inconclusive. Based on the available evidence, the clinical significance of this alteration remains unclear.